The following is an entry in ClinVar:

ClinVar aggregate classification (germline): Conflicting classifications of pathogenicity. Review status: criteria provided, conflicting classifications (1 of 4 stars). 4 submissions from 4 submitters: Uncertain significance (1); Likely benign (3). Last evaluated 2026-01-12.

Conditions:
Neurodevelopmental disorder with or without hyperkinetic movements and seizures, autosomal dominant. Also called: Intellectual disability, autosomal dominant 8. Identifiers: MedGen C3280282, MONDO:0013655, OMIM 614254.

Allele frequency attached by ClinVar (database versions not stated): 1000 Genomes Project 0.00020; gnomAD 0.00024 and 0.00025; gnomAD exomes 0.00024 and 0.00028; ExAC 0.00029; TOPMed 0.00030; 1000 Genomes Project 30x 0.00031; ESP Exome Variant Server 0.00054.
gnomAD v4.1: 449 of 1,613,774 alleles (0.028%); highest among the groups gnomAD compares: Non-Finnish European, 0.033%; no homozygotes.

Submissions (4):

Labcorp Genetics (formerly Invitae), Labcorp
Classification: Likely benign for Neurodevelopmental disorder with or without hyperkinetic movements and seizures, autosomal dominant. Last evaluated: 2026-01-12. Review status: criteria provided, single submitter. Criteria: Invitae Variant Classification Sherloc (09022015). Collection method: clinical testing. Allele origin: germline.

Blueprint Genetics
Classification: Likely benign. Last evaluated: 2024-03-08. Review status: criteria provided, single submitter. Criteria: ACMG Guidelines, 2015. Collection method: clinical testing. Allele origin: germline.

Institute for Clinical Genetics, University Hospital TU Dresden, University Hospital TU Dresden
Classification: Uncertain significance. Last evaluated: 2021-11-03. Review status: criteria provided, single submitter. Criteria: ACMG Guidelines, 2015. Collection method: clinical testing. Allele origin: germline.

GeneDx
Classification: Likely benign. Last evaluated: 2017-11-15. Review status: criteria provided, single submitter. Criteria: GeneDx Variant Classification (06012015). Collection method: clinical testing. Allele origin: germline. Affected: yes.
Comment: This variant is considered likely benign or benign based on one or more of the following criteria: it is a conservative change, it occurs at a poorly conserved position in the protein, it is predicted to be benign by multiple in silico algorithms, and/or has population frequency not consistent with disease.

NM_007327.4(GRIN1):c.2444-14G>A

Gene: GRIN1 (glutamate ionotropic receptor NMDA type subunit 1; plus strand). Cytogenetic location: 9q34.3.
Variant type: single nucleotide variant.
Coding change: c.2444-14G>A on transcript NM_007327.4 (MANE Select); 14 bases into the intron before coding-DNA position 2444, G replaced by A.
Molecular consequence: intron variant.
Genome position (GRCh38, 1-based): chr9:137,163,745, G>A. VCF-style: chr9-137163745-G-A. GRCh37 (hg19) VCF-style: chr9-140058197-G-A.
Other names: c.2507-14G>A (NM_001185090.2, NM_001185091.2); c.2444-14G>A (NM_021569.4, NM_000832.7).
Identifiers: ClinVar variation 384033 (VCV000384033.12), dbSNP rs191352124, ClinGen allele CA5361150.
Genomic context (GRCh38, chr9:137,163,745, plus strand): 5'-CCATTCTCGGGTGGGTTCTCCGTGGGCTGCGGCCTCCCTGGCCAGCAACTGAGGCTCTGG[G>A]TCCCGGCACACAGGGGTCTTCATGCTGGTAGCTGGGGGCATCGTGGCCGGGATCTTCCTG-3'